The following is an entry in ClinVar:

NM_021942.6(TRAPPC11):c.3151G>A (p.Glu1051Lys)

Gene: TRAPPC11 (trafficking protein particle complex subunit 11; plus strand). Cytogenetic location: 4q35.1.
Variant type: single nucleotide variant.
Coding change: c.3151G>A on transcript NM_021942.6 (MANE Select); coding-DNA position 3151, G replaced by A.
Protein change: p.Glu1051Lys; replaces glutamic acid 1051 with lysine.
Molecular consequence: missense variant.
Genome position (GRCh38, 1-based): chr4:183,706,902, G>A. VCF-style: chr4-183706902-G-A. GRCh37 (hg19) VCF-style: chr4-184628055-G-A.
Other names: c.3151G>A, p.Glu1051Lys (NM_199053.3); short protein forms E1051K.
Identifiers: ClinVar variation 1462071 (VCV001462071.6), dbSNP rs1252896838, ClinGen allele CA358874778.

ClinVar aggregate classification (germline): Uncertain significance (1 of 4 stars; one submission).

Conditions:
Autosomal recessive limb-girdle muscular dystrophy type R18 (LGMDR18). Also called: MUSCULAR DYSTROPHY, LIMB-GIRDLE, AUTOSOMAL RECESSIVE 18; Autosomal recessive limb-girdle muscular dystrophy type 2S; Limb-girdle muscular dystrophy, type 2S. Identifiers: Orphanet 369840, MedGen C4517996, MONDO:0014144, OMIM 615356.

Allele frequency attached by ClinVar (database versions not stated): gnomAD exomes below 0.00001.
gnomAD v4.1: 1 of 1,614,110 alleles (0.000062%); highest among the groups gnomAD compares: African/African-American, 0.0013%; no homozygotes.

Submission:

Labcorp Genetics (formerly Invitae), Labcorp
Classification: Uncertain significance for Autosomal recessive limb-girdle muscular dystrophy type R18. Last evaluated: 2023-05-08. Review status: criteria provided, single submitter. Criteria: Invitae Variant Classification Sherloc (09022015). Collection method: clinical testing. Allele origin: germline.
Comment: Advanced modeling of protein sequence and biophysical properties (such as structural, functional, and spatial information, amino acid conservation, physicochemical variation, residue mobility, and thermodynamic stability) performed at Invitae indicates that this missense variant is expected to disrupt TRAPPC11 protein function. ClinVar contains an entry for this variant (Variation ID: 1462071). This variant has not been reported in the literature in individuals affected with TRAPPC11-related conditions. This variant is present in population databases (no rsID available, gnomAD 0.007%). This sequence change replaces glutamic acid, which is acidic and polar, with lysine, which is basic and polar, at codon 1051 of the TRAPPC11 protein (p.Glu1051Lys). In summary, the available evidence is currently insufficient to determine the role of this variant in disease. Therefore, it has been classified as a Variant of Uncertain Significance.